The following is an entry in ClinVar:

ClinVar aggregate classification (germline): Pathogenic. Review status: criteria provided, multiple submitters, no conflicts (2 of 4 stars). 4 submissions from 4 submitters: Pathogenic (4). Last evaluated 2023-03-26.

Conditions:
Hereditary cancer-predisposing syndrome. Also called: Tumor predisposition; Hereditary Cancer Syndrome; Neoplastic Syndromes, Hereditary; Hereditary neoplastic syndrome. Identifiers: Orphanet 140162, MedGen C0027672, MeSH D009386, MONDO:0015356.
DICER1-related tumor predisposition. Also called: DICER1 syndrome; DICER1-related pleuropulmonary blastoma cancer predisposition syndrome. Identifiers: Orphanet 284343, MedGen C3839822, MONDO:0100216.

Submissions (4):

Labcorp Genetics (formerly Invitae), Labcorp
Classification: Pathogenic for DICER1-related tumor predisposition. Last evaluated: 2023-03-26. Review status: criteria provided, single submitter. Criteria: Invitae Variant Classification Sherloc (09022015). Collection method: clinical testing. Allele origin: germline.
Comment: For these reasons, this variant has been classified as Pathogenic. ClinVar contains an entry for this variant (Variation ID: 254295). This premature translational stop signal has been observed in individual(s) with pleuropulmonary blastoma (PMID: 26925222). This variant is not present in population databases (gnomAD no frequency). This sequence change creates a premature translational stop signal (p.Thr596Metfs*21) in the DICER1 gene. It is expected to result in an absent or disrupted protein product. Loss-of-function variants in DICER1 are known to be pathogenic (PMID: 19556464, 21266384).

Foulkes Cancer Genetics LDI, Lady Davis Institute for Medical Research
Classification: Pathogenic for Pleuropulmonary blastoma. Last evaluated: 2019-07-01. Review status: criteria provided, single submitter. Criteria: ACMG Guidelines, 2015. Collection method: curation. Allele origin: germline. Affected: yes. Observed: 1 variant allele.
Comment: ACMG criteria met: PVS1, PM2, PP4

International Pleuropulmonary Blastoma Registry, Children's Hospitals and Clinics of Minnesota
Classification: Pathogenic for Pleuropulmonary blastoma. Last evaluated: 2014-11-10. Review status: criteria provided, single submitter. Criteria: Hill et al. (Science. 2009). Collection method: clinical testing. Allele origin: germline. Affected: yes. Study: PPB-DICER1 Genetic study.

Ambry Genetics
Classification: Pathogenic for Hereditary cancer-predisposing syndrome. Last evaluated: 2012-08-09. Review status: criteria provided, single submitter. Criteria: Ambry Autosomal Dominant and X-Linked criteria (10/2015). Collection method: clinical testing. Allele origin: germline. Observed: 1 variant allele.
Comment: This alteration is expected to result in loss of function by premature protein truncation or nonsense-mediatedâ€¯mRNAâ€¯decay.â€¯As such, this alteration is interpreted as a disease-causing mutation.

Literature cited by the submitters: PubMed 26925222 (cited by 3 submitters); PubMed 19556464 (cited by Labcorp Genetics (formerly Invitae), Labcorp); PubMed 21266384 (cited by Labcorp Genetics (formerly Invitae), Labcorp).

NM_177438.3(DICER1):c.1787del (p.Thr596fs)

Gene: DICER1 (dicer 1, ribonuclease III; minus strand). Cytogenetic location: 14q32.13.
Variant type: Deletion.
Coding change: c.1787del on transcript NM_177438.3 (MANE Select); coding-DNA position 1787, one base deleted (C; older notation c.1787delC).
Protein change: p.Thr596fs; shifts the reading frame from threonine 596.
Molecular consequence: frameshift variant.
Genome position (GRCh38, 1-based): chr14:95,115,787, G deleted on the plus strand (C on the coding strand, the reverse complement: DICER1 is on the minus strand). VCF-style (leftmost placement, unchanged base first): chr14-95115786-AG-A. GRCh37 (hg19) VCF-style: chr14-95582123-AG-A.
Other names: c.1787delC (NM_177438.2); c.1787del, p.Thr596fs (NM_001195573.1, NM_001271282.3, NM_001291628.2 and 1 more transcripts); short protein forms T596fs.
Identifiers: ClinVar variation 254295 (VCV000254295.9), dbSNP rs886037678, ClinGen allele CA10586451.